The following is an entry in ClinVar:

NM_000660.7(TGFB1):c.1088C>G (p.Pro363Arg)

Gene: TGFB1 (transforming growth factor beta 1; minus strand). Cytogenetic location: 19q13.2.
Variant type: single nucleotide variant.
Coding change: c.1088C>G on transcript NM_000660.7 (MANE Select); coding-DNA position 1088, C replaced by G.
Protein change: p.Pro363Arg; replaces proline 363 with arginine.
Molecular consequence: missense variant.
Genome position (GRCh38, 1-based): chr19:41,331,137, G>C on the plus strand (C>G on the coding strand, the complement: TGFB1 is on the minus strand). VCF-style: chr19-41331137-G-C. GRCh37 (hg19) VCF-style: chr19-41837042-G-C.
Other names: c.1088C>G (NM_000660.4); short protein forms P363R.
Identifiers: ClinVar variation 1916238 (VCV001916238.7), dbSNP rs758966134, ClinGen allele CA9459899.
Genomic context (GRCh38, chr19:41,331,137, plus strand): 5'-ATCATGTTGGACAGCTGCTCCACCTTGGGCTTGCGGCCCACGTAGTACACGATGGGCAGC[G>C]GCTCCAGCGCCTGCGGCACGCAGCACGGCGCCGCCGAGGCGCCCGGGTTATGCTGGTTGT-3'
Protein context (NP_000651.3, residues 353-373): APCCVPQALE[Pro363Arg]LPIVYYVGRK

ClinVar aggregate classification (germline): Uncertain significance. Review status: criteria provided, multiple submitters, no conflicts (2 of 4 stars). 3 submissions from 3 submitters: Uncertain significance (3). Last evaluated 2025-09-24.

Conditions:
Inborn genetic diseases. Identifiers: MedGen C0950123, MeSH D030342.

Allele frequency attached by ClinVar (database versions not stated): gnomAD 0.00001; TOPMed 0.00001; ExAC 0.00004.
gnomAD v4.1: 25 of 1,572,582 alleles (0.0016%); highest among the groups gnomAD compares: Non-Finnish European, 0.002%; no homozygotes.

Submissions (3):

Labcorp Genetics (formerly Invitae), Labcorp
Classification: Uncertain significance. Last evaluated: 2025-09-24. Review status: criteria provided, single submitter. Criteria: Invitae Variant Classification Sherloc (09022015). Collection method: clinical testing. Allele origin: germline.
Comment: This sequence change replaces proline, which is neutral and non-polar, with arginine, which is basic and polar, at codon 363 of the TGFB1 protein (p.Pro363Arg). This variant is present in population databases (rs758966134, gnomAD 0.004%). This variant has not been reported in the literature in individuals affected with TGFB1-related conditions. ClinVar contains an entry for this variant (Variation ID: 1916238). Invitae Evidence Modeling of protein sequence and biophysical properties (such as structural, functional, and spatial information, amino acid conservation, physicochemical variation, residue mobility, and thermodynamic stability) indicates that this missense variant is expected to disrupt TGFB1 protein function with a positive predictive value of 80%. In summary, the available evidence is currently insufficient to determine the role of this variant in disease. Therefore, it has been classified as a Variant of Uncertain Significance.

Ambry Genetics
Classification: Uncertain significance for Inborn genetic diseases. Last evaluated: 2024-12-02. Review status: criteria provided, single submitter. Criteria: Ambry Variant Classification Scheme 2023. Collection method: clinical testing. Allele origin: germline.

Blueprint Genetics
Classification: Uncertain significance. Last evaluated: 2024-10-24. Review status: criteria provided, single submitter. Criteria: ACMG Guidelines, 2015. Collection method: clinical testing. Allele origin: germline.